The following is an entry in ClinVar:

ClinVar aggregate classification (germline): Uncertain significance (1 of 4 stars; one submission).

Allele frequency attached by ClinVar (database versions not stated): gnomAD exomes below 0.00001.

Submission:

GeneDx
Classification: Uncertain significance. Last evaluated: 2022-12-20. Review status: criteria provided, single submitter. Criteria: GeneDx Variant Classification Process June 2021. Collection method: clinical testing. Allele origin: germline. Affected: yes.
Comment: Nonsense variant predicted to result in protein truncation or nonsense mediated decay in a gene or region of a gene for which loss of function is not a well-established mechanism of disease; Not observed at significant frequency in large population cohorts (gnomAD); Has not been previously published as pathogenic or benign to our knowledge

NM_015057.5(MYCBP2):c.679C>T (p.Gln227Ter)

Gene: MYCBP2 (MYC binding protein 2; minus strand). Cytogenetic location: 13q22.3.
Variant type: single nucleotide variant.
Coding change: c.679C>T on transcript NM_015057.5 (MANE Select); coding-DNA position 679, C replaced by T.
Protein change: p.Gln227Ter; replaces glutamine 227 with a stop codon.
Molecular consequence: nonsense.
Genome position (GRCh38, 1-based): chr13:77,278,827, G>A on the plus strand (C>T on the coding strand, the complement: MYCBP2 is on the minus strand). VCF-style: chr13-77278827-G-A. GRCh37 (hg19) VCF-style: chr13-77852962-G-A.
Other names: short protein forms Q227*.
Identifiers: ClinVar variation 2506744 (VCV002506744.1), dbSNP rs2549627146, ClinGen allele CA388417363.